The following is an entry in ClinVar:

NM_001283009.2(RTEL1):c.901_919+72del

Genes: RTEL1 (regulator of telomere elongation helicase 1; plus strand), RTEL1-TNFRSF6B (RTEL1-TNFRSF6B readthrough (NMD candidate); plus strand). Cytogenetic location: 20q13.33.
Variant type: Deletion.
Coding change: c.901_919+72del on transcript NM_001283009.2 (MANE Select); coding-DNA position 901 through 72 bases into the intron after coding-DNA position 919, 91 bases deleted.
Molecular consequence: splice donor variant.
Genome position (GRCh38, 1-based): chr20:63,674,075-63,674,165, 91 bases deleted. GRCh37 (hg19): chr20:62,305,428-62,305,518.
Other names: c.973_991+72delGCGGACTCCCCCAGCCCAGGTGCGTTCATAGCCAGACTGCTTGGTCCTGAGGCCTGCGCTGCTGCAGGGTGAGCCCCACCCGGAGTTCAGC (NM_032957.4); c.232_250+72del (NM_001283010.1); c.973_991+72del (NM_032957.5); c.901_919+72del (NM_016434.4).
Identifiers: ClinVar variation 651186 (VCV000651186.40), dbSNP rs1569090870, ClinGen allele CA9964468.

ClinVar aggregate classification (germline): Conflicting classifications of pathogenicity. Review status: criteria provided, conflicting classifications (1 of 4 stars). 6 submissions from 6 submitters: Pathogenic (1); Likely pathogenic (2); Uncertain significance (1). 2 of the submissions do not count toward it. Last evaluated 2025-12-14.

Conditions:
RTEL1-related disorder. Also called: RTEL1-related condition; RTEL1-related disorders.
Pulmonary fibrosis and/or bone marrow failure, Telomere-related, 3. Also called: PULMONARY FIBROSIS AND/OR BONE MARROW FAILURE SYNDROME, TELOMERE-RELATED, 3. Identifiers: Orphanet 2032, MedGen C4225346, MONDO:0014613, OMIM 616373.
Dyskeratosis congenita, autosomal recessive 5 (DKCB5). Identifiers: MedGen C3554656, MONDO:0014076, OMIM 615190.
Dyskeratosis congenita. Identifiers: Orphanet 1775, MedGen C0265965, MONDO:0015780.

Submissions (6):

Labcorp Genetics (formerly Invitae), Labcorp
Classification: Uncertain significance for Dyskeratosis congenita, autosomal recessive 5; Pulmonary fibrosis and/or bone marrow failure, Telomere-related, 3. Last evaluated: 2025-12-14. Review status: criteria provided, single submitter. Criteria: Invitae Variant Classification Sherloc (09022015). Collection method: clinical testing. Allele origin: germline.
Comment: This variant results in the deletion of part of exon 10 (c.901_919+72del) of the RTEL1 gene. Based on the sequence context it is unclear if this variant will affect mRNA splicing. The frequency data for this variant in the population databases is considered unreliable, as metrics indicate poor data quality at this position in the gnomAD database. This variant has not been reported in the literature in individuals affected with RTEL1-related conditions. ClinVar contains an entry for this variant (Variation ID: 651186). In summary, the available evidence is currently insufficient to determine the role of this variant in disease. Therefore, it has been classified as a Variant of Uncertain Significance.

Revvity Omics, Revvity
Classification: Likely pathogenic. Last evaluated: 2024-09-10. Review status: criteria provided, single submitter. Criteria: ACMG Guidelines, 2015. Collection method: clinical testing. Allele origin: germline.

Blueprint Genetics
Classification: Likely pathogenic for RTEL1-related disorders. Last evaluated: 2024-01-23. Review status: criteria provided, single submitter. Criteria: ACMG Guidelines, 2015. Collection method: clinical testing. Allele origin: germline. Affected: yes. Observed: 5 variant alleles.

CeGaT Center for Human Genetics Tuebingen
Classification: Pathogenic. Last evaluated: 2023-01-01. Review status: criteria provided, single submitter. Criteria: CeGaT Center For Human Genetics Tuebingen Variant Classification Criteria Version 2. Collection method: clinical testing. Allele origin: germline. Affected: yes. Observed: 1 variant allele.
Comment: RTEL1: PVS1, PS2:Moderate, PS4:Moderate

Genetic Services Laboratory, University of Chicago
Classification: Uncertain significance. Last evaluated: 2022-02-23. Review status: no assertion criteria provided. Collection method: clinical testing. Allele origin: germline. Affected: no. Not counted in ClinVar's aggregate classification.
Comment: DNA sequence analysis of the RTEL1 gene demonstrated a deletion involving a part of exon 10, c.973_991+72del, (NM_032957.5). This deletion may disrupt RNA splicing and result in an abnormal transcript, which may be degraded, or may lead to the production of a truncated RTLE1 protein with potentially abnormal function. This deletion does not appear to have been previously described in individuals with RTEL1-related disorders. This deletion has been described in the gnomAD database with a frequency of 0.010% in the East Asian subpopulation, however, the quality of the data for this region in gnomAD may not be reliable. The functional significance of this deletion is not known at present and its contribution to this individual's disease phenotype cannot definitively be determined.

Natera, Inc.
Classification: Likely pathogenic for Dyskeratosis congenita. Last evaluated: 2021-07-29. Review status: no assertion criteria provided. Collection method: clinical testing. Allele origin: germline. Not counted in ClinVar's aggregate classification.